The following is an entry in ClinVar:

NM_002972.4(SBF1):c.2895G>T (p.Lys965Asn)

Gene: SBF1 (SET binding factor 1; minus strand). Cytogenetic location: 22q13.33.
Variant type: single nucleotide variant.
Coding change: c.2895G>T on transcript NM_002972.4 (MANE Select); coding-DNA position 2895, G replaced by T.
Protein change: p.Lys965Asn; replaces lysine 965 with asparagine.
Molecular consequence: missense variant.
Genome position (GRCh38, 1-based): chr22:50,461,231, C>A on the plus strand (G>T on the coding strand, the complement: SBF1 is on the minus strand). VCF-style: chr22-50461231-C-A. GRCh37 (hg19) VCF-style: chr22-50899660-C-A.
Other names: c.2898G>T, p.Lys966Asn (NM_001365819.1, NM_001410794.1); c.2895G>T, p.Lys965Asn (NM_001410795.1); short protein forms K965N, K966N.
Identifiers: ClinVar variation 4744491 (VCV004744491.1).
Genomic context (GRCh38, chr22:50,461,231, plus strand): 5'-GGAGCGCAGCTGGAGCCCGTCCTGCAGGAGCTGGTCCACAGGGGTCTGGACGCTGATGCG[C>A]TTCTCCTTGGTCAGCGCAGCCACCGGGAAGGAGCGGACCACCACCTGCTCCCCAACTTAG-3'
Protein context (NP_002963.2, residues 955-975): SFPVAALTKE[Lys965Asn]RISVQTPVDQ

ClinVar aggregate classification (germline): Uncertain significance (1 of 4 stars; one submission).

Submission:

Labcorp Genetics (formerly Invitae), Labcorp
Classification: Uncertain significance. Last evaluated: 2025-09-24. Review status: criteria provided, single submitter. Criteria: Invitae Variant Classification Sherloc (09022015). Collection method: clinical testing. Allele origin: germline.
Comment: This sequence change replaces lysine, which is basic and polar, with asparagine, which is neutral and polar, at codon 965 of the SBF1 protein (p.Lys965Asn). This variant is not present in population databases (gnomAD no frequency). This variant has not been reported in the literature in individuals affected with SBF1-related conditions. Invitae Evidence Modeling of protein sequence and biophysical properties (such as structural, functional, and spatial information, amino acid conservation, physicochemical variation, residue mobility, and thermodynamic stability) indicates that this missense variant is expected to disrupt SBF1 protein function with a positive predictive value of 80%. In summary, the available evidence is currently insufficient to determine the role of this variant in disease. Therefore, it has been classified as a Variant of Uncertain Significance.